The following is an entry in ClinVar:

ClinVar aggregate classification (germline): Benign/Likely benign. Review status: criteria provided, multiple submitters, no conflicts (2 of 4 stars). 7 submissions from 7 submitters: Benign (5); Likely benign (2). Last evaluated 2026-09-01.

Conditions:
Cockayne syndrome. Identifiers: Orphanet 191, MedGen C0009207, MONDO:0016006.
Xeroderma pigmentosum, group F (XPF). Also called: ERCC4-Related Xeroderma Pigmentosum; XERODERMA PIGMENTOSUM VI; XP, GROUP F; XERODERMA PIGMENTOSUM, COMPLEMENTATION GROUP F; XERODERMA PIGMENTOSUM, TYPE F; Xeroderma pigmentosum, type 6. Identifiers: MedGen C0268140, MONDO:0010215, OMIM 278760.
Fanconi anemia complementation group Q. Identifiers: Orphanet 84, MedGen C3808988, MONDO:0014108, OMIM 615272.

Allele frequency attached by ClinVar (database versions not stated): gnomAD exomes 0.00041 and 0.00104; ExAC 0.00122; 1000 Genomes Project 0.00339; gnomAD 0.00370 and 0.00403; 1000 Genomes Project 30x 0.00375; ESP Exome Variant Server 0.00416; TOPMed 0.00459.
gnomAD v4.1: 1,191 of 1,607,980 alleles (0.074%); highest among the groups gnomAD compares: African/African-American, 1.4%; 5 homozygotes.

Submissions (7):

CeGaT Center for Human Genetics Tuebingen
Classification: Likely benign. Last evaluated: 2026-09-01. Review status: criteria provided, single submitter. Criteria: CeGaT Center For Human Genetics Tuebingen Variant Classification Criteria Version 2. Collection method: clinical testing. Allele origin: germline. Affected: yes. Observed: 2 variant alleles.
Comment: ERCC4: BP4, BP7, BS1

Labcorp Genetics (formerly Invitae), Labcorp
Classification: Benign for Fanconi anemia complementation group Q; Xeroderma pigmentosum, group F; Cockayne syndrome. Last evaluated: 2026-01-31. Review status: criteria provided, single submitter. Criteria: Invitae Variant Classification Sherloc (09022015). Collection method: clinical testing. Allele origin: germline.

Blueprint Genetics
Classification: Likely benign. Last evaluated: 2024-09-11. Review status: criteria provided, single submitter. Criteria: ACMG Guidelines, 2015. Collection method: clinical testing. Allele origin: germline.

KCCC/NGS Laboratory, Kuwait Cancer Control Center
Classification: Benign for Xeroderma pigmentosum, group F. Last evaluated: 2023-07-07. Review status: criteria provided, single submitter. Criteria: ACMG Guidelines, 2015. Collection method: clinical testing. Allele origin: germline. Affected: yes.

Genetic Services Laboratory, University of Chicago
Classification: Benign. Last evaluated: 2019-03-28. Review status: criteria provided, single submitter. Criteria: ACMG Guidelines, 2015. Collection method: clinical testing. Allele origin: germline. Affected: no.

Illumina Laboratory Services, Illumina
Classification: Benign for Xeroderma pigmentosum, group F. Last evaluated: 2018-01-12. Review status: criteria provided, single submitter. Criteria: ICSL Variant Classification Criteria 13 December 2019. Collection method: clinical testing. Allele origin: germline.
Comment: This variant was observed in the ICSL laboratory as part of a predisposition screen in an ostensibly healthy population. It had not been previously curated by ICSL or reported in the Human Gene Mutation Database (HGMD: prior to June 1st, 2018), and was therefore a candidate for classification through an automated scoring system. Utilizing variant allele frequency, disease prevalence and penetrance estimates, and inheritance mode, an automated score was calculated to assess if this variant is too frequent to cause the disease. Based on the score and internal cut-off values, a variant classified as benign is not then subjected to further curation. The score for this variant resulted in a classification of benign for this disease.

Breakthrough Genomics
Classification: Benign. Review status: criteria provided, single submitter. Criteria: ACMG Guidelines, 2015. Collection method: not provided. Allele origin: germline. Inheritance: Autosomal recessive inheritance. Affected: yes.

NM_005236.3(ERCC4):c.1446A>G (p.Glu482=)

Gene: ERCC4 (ERCC excision repair 4, endonuclease catalytic subunit; plus strand). Cytogenetic location: 16p13.12.
Variant type: single nucleotide variant.
Coding change: c.1446A>G on transcript NM_005236.3 (MANE Select); coding-DNA position 1446, A replaced by G.
Protein change: p.Glu482=; no amino-acid change (glutamic acid 482 retained).
Molecular consequence: synonymous variant.
Genome position (GRCh38, 1-based): chr16:13,935,378, A>G. VCF-style: chr16-13935378-A-G. GRCh37 (hg19) VCF-style: chr16-14029235-A-G.
Identifiers: ClinVar variation 415025 (VCV000415025.44), dbSNP rs114077770, ClinGen allele CA7910471.